The following is an entry in ClinVar:

NM_018906.3(PCDHA3):c.1930C>T (p.Arg644Cys)

Genes: PCDHA1 (protocadherin alpha 1; plus strand), PCDHA2 (protocadherin alpha 2; plus strand), PCDHA3 (protocadherin alpha 3; plus strand), PCDHA@ (protocadherin alpha cluster, complex locus; plus strand). Cytogenetic location: 5q31.3.
Variant type: single nucleotide variant.
Coding change: c.1930C>T on transcript NM_018906.3 (MANE Select); coding-DNA position 1930, C replaced by T.
Protein change: p.Arg644Cys; replaces arginine 644 with cysteine.
Molecular consequence: missense variant. On other transcripts: intron variant (4).
Genome position (GRCh38, 1-based): chr5:140,803,127, C>T. VCF-style: chr5-140803127-C-T. GRCh37 (hg19) VCF-style: chr5-140182712-C-T.
Other names: c.1930C>T, p.Arg644Cys (NM_031497.2); c.2394+14443C>T (NM_018900.4); c.1602+15235C>T (NM_031411.3); c.2388+5775C>T (NM_018905.3); c.2389-1933C>T (NM_031496.2); short protein forms R644C.
Identifiers: ClinVar variation 92003 (VCV000092003.2), dbSNP rs386352345, ClinGen allele CA232330.

ClinVar aggregate classification (germline): Uncertain significance (0 of 4 stars; one submission).

Allele frequency attached by ClinVar (database versions not stated): ExAC 0.00001; gnomAD exomes below 0.00001.
gnomAD v4.1: 2 of 1,613,838 alleles (0.00012%); highest among the groups gnomAD compares: African/African-American, 0.0013%; no homozygotes.

Submission:

Richard Lifton Laboratory, Yale University School of Medicine
Classification: Uncertain significance. Review status: no assertion criteria provided. Collection method: not provided. Allele origin: somatic.
Comment: PCDHA3
ClinVar note: Converted during submission from unknown to Uncertain significance.